The following is an entry in ClinVar:

ClinVar aggregate classification (germline): Uncertain significance. Review status: criteria provided, multiple submitters, no conflicts (2 of 4 stars). 3 submissions from 3 submitters: Uncertain significance (3). Last evaluated 2026-08-19.

Conditions:
Inborn genetic diseases. Identifiers: MedGen C0950123, MeSH D030342.
Neuronal ceroid lipofuscinosis. Also called: Neuronal Ceroid Lipofuscinoses. Identifiers: Orphanet 216, Orphanet 79263, MedGen C0027877, MONDO:0016295. Disease mechanism: loss of function.

Allele frequency attached by ClinVar (database versions not stated): ExAC 0.00002; gnomAD exomes 0.00001; TOPMed 0.00001.

Submissions (3):

GeneDx
Classification: Uncertain significance. Last evaluated: 2026-08-19. Review status: criteria provided, single submitter. Criteria: GeneDx Variant Classification Process June 2021. Collection method: clinical testing. Allele origin: germline.
Comment: Reported previously in a patient with Parkinson disease and not seen in controls; however, no specific clinical information was provided (PMID: 34867278); Not observed at significant frequency in large population cohorts (gnomAD); In silico analysis supports that this missense variant has a deleterious effect on protein structure/function; This variant is associated with the following publications: (PMID: 34867278)

Labcorp Genetics (formerly Invitae), Labcorp
Classification: Uncertain significance for Neuronal ceroid lipofuscinosis. Last evaluated: 2024-12-16. Review status: criteria provided, single submitter. Criteria: Invitae Variant Classification Sherloc (09022015). Collection method: clinical testing. Allele origin: germline.
Comment: This sequence change replaces alanine, which is neutral and non-polar, with threonine, which is neutral and polar, at codon 240 of the CLN6 protein (p.Ala240Thr). This variant is present in population databases (rs779105796, gnomAD 0.006%). This variant has not been reported in the literature in individuals affected with CLN6-related conditions. ClinVar contains an entry for this variant (Variation ID: 420280). Invitae Evidence Modeling of protein sequence and biophysical properties (such as structural, functional, and spatial information, amino acid conservation, physicochemical variation, residue mobility, and thermodynamic stability) indicates that this missense variant is not expected to disrupt CLN6 protein function with a negative predictive value of 80%. In summary, the available evidence is currently insufficient to determine the role of this variant in disease. Therefore, it has been classified as a Variant of Uncertain Significance.

Ambry Genetics
Classification: Uncertain significance for Inborn genetic diseases. Last evaluated: 2018-09-29. Review status: criteria provided, single submitter. Criteria: Ambry Variant Classification Scheme 2023. Collection method: clinical testing. Allele origin: germline.
Comment: The p.A240T variant (also known as c.718G>A), located in coding exon 7 of the CLN6 gene, results from a G to A substitution at nucleotide position 718. The alanine at codon 240 is replaced by threonine, an amino acid with similar properties. This amino acid position is highly conserved in available vertebrate species. In addition, the in silico prediction for this alteration is inconclusive. Since supporting evidence is limited at this time, the clinical significance of this alteration remains unclear.

NM_017882.3(CLN6):c.718G>A (p.Ala240Thr)

Gene: CLN6 (CLN6 transmembrane ER protein; minus strand). Cytogenetic location: 15q23.
Variant type: single nucleotide variant.
Coding change: c.718G>A on transcript NM_017882.3 (MANE Select); coding-DNA position 718, G replaced by A.
Protein change: p.Ala240Thr; replaces alanine 240 with threonine.
Molecular consequence: missense variant.
Genome position (GRCh38, 1-based): chr15:68,208,358, C>T on the plus strand (G>A on the coding strand, the complement: CLN6 is on the minus strand). VCF-style: chr15-68208358-C-T. GRCh37 (hg19) VCF-style: chr15-68500696-C-T.
Other names: short protein forms A240T.
Identifiers: ClinVar variation 420280 (VCV000420280.9), dbSNP rs779105796, ClinGen allele CA7630484.